The following is an entry in ClinVar:

NM_003743.5(NCOA1):c.1459A>C (p.Met487Leu)

Gene: NCOA1 (nuclear receptor coactivator 1; plus strand). Cytogenetic location: 2p23.3.
Variant type: single nucleotide variant.
Coding change: c.1459A>C on transcript NM_003743.5 (MANE Select); coding-DNA position 1459, A replaced by C.
Protein change: p.Met487Leu; replaces methionine 487 with leucine.
Molecular consequence: missense variant.
Genome position (GRCh38, 1-based): chr2:24,706,929, A>C. VCF-style: chr2-24706929-A-C. GRCh37 (hg19) VCF-style: chr2-24929798-A-C.
Other names: c.1459A>C, p.Met487Leu (NM_001362950.1, NM_001362952.1, NM_001362954.1 and 3 more transcripts); short protein forms M487L.
Identifiers: ClinVar variation 5000344 (VCV005000344.1).

ClinVar aggregate classification (germline): Uncertain significance (1 of 4 stars; one submission).

Conditions:
NCOA1-related disorder. Also called: NCOA1-related condition.

gnomAD v4.1: 6 of 1,614,058 alleles (0.00037%); highest among the groups gnomAD compares: Non-Finnish European, 0.00051%; no homozygotes.

Submission:

PreventionGenetics, part of Exact Sciences
Classification: Uncertain significance for NCOA1-related condition. Last evaluated: 2026-09-24. Review status: criteria provided, single submitter. Criteria: ACMG Guidelines, 2015. Collection method: clinical testing. Allele origin: germline.
Comment: The NCOA1 c.1459A>C variant is predicted to result in the amino acid substitution p.Met487Leu. To our knowledge, this variant has not been reported in the literature. This variant is reported in 0.00088% of alleles in individuals of European (Non-Finnish) descent in gnomAD. At this time, the clinical significance of this variant is uncertain due to the absence of conclusive functional and genetic evidence.